The following is an entry in ClinVar:

NM_177438.3(DICER1):c.832C>T (p.Leu278Phe)

Gene: DICER1 (dicer 1, ribonuclease III; minus strand). Cytogenetic location: 14q32.13.
Variant type: single nucleotide variant.
Coding change: c.832C>T on transcript NM_177438.3 (MANE Select); coding-DNA position 832, C replaced by T.
Protein change: p.Leu278Phe; replaces leucine 278 with phenylalanine.
Molecular consequence: missense variant.
Genome position (GRCh38, 1-based): chr14:95,126,651, G>A on the plus strand (C>T on the coding strand, the complement: DICER1 is on the minus strand). VCF-style: chr14-95126651-G-A. GRCh37 (hg19) VCF-style: chr14-95592988-G-A.
Other names: NM_177438.3(DICER1):c.832C>T; p.Leu278Phe; c.832C>T, p.Leu278Phe (NM_001195573.1, NM_001271282.3, NM_001291628.2 and 1 more transcripts); short protein forms L278F.
Identifiers: ClinVar variation 254354 (VCV000254354.8), dbSNP rs768248216, ClinGen allele CA7331564.

ClinVar aggregate classification (germline): Uncertain significance. Review status: reviewed by expert panel (3 of 4 stars). 4 submissions from 4 submitters: Uncertain significance (1). 3 of the submissions do not count toward it. Last evaluated 2025-02-25.

Conditions:
DICER1-related tumor predisposition. Also called: DICER1 syndrome; DICER1-related pleuropulmonary blastoma cancer predisposition syndrome. Identifiers: Orphanet 284343, MedGen C3839822, MONDO:0100216.
Hereditary cancer-predisposing syndrome. Also called: Tumor predisposition; Hereditary Cancer Syndrome; Neoplastic Syndromes, Hereditary; Hereditary neoplastic syndrome. Identifiers: Orphanet 140162, MedGen C0027672, MeSH D009386, MONDO:0015356.

Allele frequency attached by ClinVar (database versions not stated): ExAC 0.00001; gnomAD exomes below 0.00001.
gnomAD v4.1: 6 of 1,579,166 alleles (0.00038%); highest among the groups gnomAD compares: South Asian, 0.0066%; no homozygotes.

Submissions (4):

ClinGen DICER1 and miRNA-Processing Gene Variant Curation Expert Panel, ClinGen
Classification: Uncertain significance for DICER1-related tumor predisposition. Last evaluated: 2025-02-25. Review status: reviewed by expert panel. Criteria: ClinGen DICER1 ACMG Specifications DICER1 V1.3.0. Collection method: curation. Allele origin: germline. Inheritance: Autosomal dominant inheritance.
Comment: The NM_177438.3:c.832C>T variant in DICER1 is a missense variant predicted to cause substitution of leucine by phenylalanine at amino acid 278 (p.Leu278Phe). This variant received a total of 1 phenotype point in 1 proband, meeting DICER1 VCEP phenotype specificity scoring criteria of 1-1.5 points (PS4_Supporting; PMID: 26925222). In the same individual, this variant was identified as a de novo occurrence with constitutional mosaicism (PS2; PMID: 26925222). This individual was also found to have a somatic second hit in a recognized DICER1 hotspot codon on tumor sequencing, which is highly specific for DICER1-related tumor predisposition (PP4, PMID: 26925222). The total allele frequency in gnomAD v4.1.0 is 0.000003799 (6/1579166 alleles) with a highest population minor allele frequency of 0.00006640 (6/90360 alleles) in the South Asian population and with multiple alleles present in the South Asian population (PM2_Supporting, BS1, and BA1 are not met). In silico tools predict no damaging impact of the variant on protein function (REVEL: 0.326); MaxEntScan and SpliceAI: no effect on splicing) (BP4). In summary, this variant meets the criteria to be classified as Uncertain Significance for DICER1-related tumor predisposition based on the ACMG/AMP criteria applied, as specified by the ClinGen DICER1 VCEP: PS4_Supporting, PS2, PP4, BP4. (Bayesian Points: 5; VCEP specifications version 1.3.0; 02/25/2025)

Labcorp Genetics (formerly Invitae), Labcorp
Classification: Uncertain significance for DICER1-related tumor predisposition. Last evaluated: 2024-06-26. Review status: criteria provided, single submitter. Criteria: Invitae Variant Classification Sherloc (09022015). Collection method: clinical testing. Allele origin: germline. Not counted in ClinVar's aggregate classification.
Comment: This sequence change replaces leucine, which is neutral and non-polar, with phenylalanine, which is neutral and non-polar, at codon 278 of the DICER1 protein (p.Leu278Phe). This variant is present in population databases (rs768248216, gnomAD 0.003%). This missense change has been observed in individual(s) with pleuropulmonary blastoma (PMID: 26925222). ClinVar contains an entry for this variant (Variation ID: 254354). Advanced modeling of protein sequence and biophysical properties (such as structural, functional, and spatial information, amino acid conservation, physicochemical variation, residue mobility, and thermodynamic stability) performed at Invitae indicates that this missense variant is not expected to disrupt DICER1 protein function with a negative predictive value of 80%. In summary, the available evidence is currently insufficient to determine the role of this variant in disease. Therefore, it has been classified as a Variant of Uncertain Significance.

Ambry Genetics
Classification: Uncertain significance for Hereditary cancer-predisposing syndrome. Last evaluated: 2024-02-08. Review status: criteria provided, single submitter. Criteria: Ambry Variant Classification Scheme 2023. Collection method: clinical testing. Allele origin: germline. Not counted in ClinVar's aggregate classification.
Comment: The p.L278F variant (also known as c.832C>T), located in coding exon 6 of the DICER1 gene, results from a C to T substitution at nucleotide position 832. The leucine at codon 278 is replaced by phenylalanine, an amino acid with highly similar properties. This variant has been reported as a germline mosaic finding in 1/124 children with pleuropulmonary blastoma (Brenneman M et al. F1000Res, 2015 Jul;4:214). This amino acid position is highly conserved in available vertebrate species. In addition, this alteration is predicted to be tolerated by in silico analysis. Based on the available evidence, the clinical significance of this alteration remains unclear.

International Pleuropulmonary Blastoma Registry, Children's Hospitals and Clinics of Minnesota
Classification: Pathogenic for Pleuropulmonary blastoma. Last evaluated: 2014-11-10. Review status: criteria provided, single submitter. Criteria: Hill et al. (Science. 2009). Collection method: clinical testing. Allele origin: somatic. Affected: yes. Study: PPB-DICER1 Genetic study. Not counted in ClinVar's aggregate classification.

Literature cited by the submitters: PubMed 26925222 (cited by 3 submitters).